The following is an entry in ClinVar:

NM_000214.3(JAG1):c.551G>T (p.Arg184Leu)

Gene: JAG1 (jagged canonical Notch ligand 1; minus strand). Cytogenetic location: 20p12.2.
Variant type: single nucleotide variant.
Coding change: c.551G>T on transcript NM_000214.3 (MANE Select); coding-DNA position 551, G replaced by T.
Protein change: p.Arg184Leu; replaces arginine 184 with leucine.
Molecular consequence: missense variant.
Genome position (GRCh38, 1-based): chr20:10,658,611, C>A on the plus strand (G>T on the coding strand, the complement: JAG1 is on the minus strand). VCF-style: chr20-10658611-C-A. GRCh37 (hg19) VCF-style: chr20-10639259-C-A.
Other names: short protein forms R184L.
Identifiers: ClinVar variation 3573328 (VCV003573328.2).

Conditions:
Arteriohepatic dysplasia. Also called: Alagille Syndrome. Identifiers: Orphanet 52, MedGen C0085280, MeSH D016738, MONDO:0007318.

Submission:

Gilbert/Spinner Lab, Children's Hospital of Philadelphia
No classification provided (evidence only). Condition: Alagille syndrome. Review status: no classification provided. Collection method: research. Allele origin: not applicable. Functional consequence: functionally_abnormal.
ClinVar note: "not provided" was previously submitted as the classification for the variant. However, the classification appeared to be based only on an observation of functional data so it was converted to no classification on 2025-07-30.